The following is an entry in ClinVar:

ClinVar aggregate classification (germline): Benign. Review status: criteria provided, multiple submitters, no conflicts (2 of 4 stars). 5 submissions from 5 submitters: Benign (4). 1 of the submissions does not count toward it. Last evaluated 2021-09-05.

Conditions:
Left ventricular noncompaction 7 (LVNC7). Identifiers: Orphanet 54260, MedGen C3554496, MONDO:0014042, OMIM 615092.

Allele frequency attached by ClinVar (database versions not stated): gnomAD exomes 0.07623 and 0.08011; ExAC 0.08574; 1000 Genomes Project 0.08786; gnomAD 0.09195 and 0.09299; 1000 Genomes Project 30x 0.09307; TOPMed 0.09449; ESP Exome Variant Server 0.10003.
gnomAD v4.1: 131,032 of 1,607,654 alleles (8.2%); highest among the groups gnomAD compares: Middle Eastern, 14%; 5,741 homozygotes.

Submissions (5):

Genome-Nilou Lab
Classification: Benign for Left ventricular noncompaction 7. Last evaluated: 2021-09-05. Review status: criteria provided, single submitter. Criteria: ACMG Guidelines, 2015. Collection method: clinical testing. Allele origin: germline. Affected: no.

GeneDx
Classification: Benign. Last evaluated: 2016-09-29. Review status: criteria provided, single submitter. Criteria: GeneDx Variant Classification (06012015). Collection method: clinical testing. Allele origin: germline. Affected: yes.
Comment: This variant is considered likely benign or benign based on one or more of the following criteria: it is a conservative change, it occurs at a poorly conserved position in the protein, it is predicted to be benign by multiple in silico algorithms, and/or has population frequency not consistent with disease.

Clinical Genetics DNA and cytogenetics Diagnostics Lab, Erasmus MC, Erasmus Medical Center
Classification: Benign for Left ventricular noncompaction 7. Last evaluated: 2015-09-21. Review status: criteria provided, single submitter. Criteria: ACGS Guidelines, 2013. Collection method: clinical testing. Allele origin: germline. Affected: yes. Study: VKGL Data-share Consensus.

Breakthrough Genomics
Classification: Benign. Review status: criteria provided, single submitter. Criteria: ACMG Guidelines, 2015. Collection method: not provided. Allele origin: germline. Inheritance: Autosomal dominant inheritance. Affected: yes.

Clinical Genetics, Academic Medical Center
Classification: Benign. Review status: no assertion criteria provided. Collection method: clinical testing. Allele origin: germline. Affected: yes. Study: VKGL Data-share Consensus. Not counted in ClinVar's aggregate classification.

NM_020774.4(MIB1):c.2393+10A>G

Gene: MIB1 (MIB E3 ubiquitin protein ligase 1; plus strand). Cytogenetic location: 18q11.2.
Variant type: single nucleotide variant.
Coding change: c.2393+10A>G on transcript NM_020774.4 (MANE Select); 10 bases into the intron after coding-DNA position 2393, A replaced by G.
Molecular consequence: intron variant.
Genome position (GRCh38, 1-based): chr18:21,847,135, A>G. VCF-style: chr18-21847135-A-G. GRCh37 (hg19) VCF-style: chr18-19427096-A-G.
Identifiers: ClinVar variation 384702 (VCV000384702.7), dbSNP rs11877131, ClinGen allele CA8908588.
Genomic context (GRCh38, chr18:21,847,135, plus strand): 5'-TGATCCGAATCTCTGCAAAGCACTGGCAAAGTGTCATAAGGAAAAAGTCAGGTTTGTATT[A>G]TTTATTATCATAAAACTTAATATTCTGTACAGAAAATATCATGTGGTTTCGTAATGGAGG-3'